The following is an entry in ClinVar:

NM_007294.4(BRCA1):c.1554C>G (p.Ile518Met)

Gene: BRCA1 (BRCA1 DNA repair associated; minus strand). Cytogenetic location: 17q21.31.
Variant type: single nucleotide variant.
Coding change: c.1554C>G on transcript NM_007294.4 (MANE Select); coding-DNA position 1554, C replaced by G.
Protein change: p.Ile518Met; replaces isoleucine 518 with methionine.
Molecular consequence: missense variant. On other transcripts: intron variant (137).
Genome position (GRCh38, 1-based): chr17:43,093,977, G>C on the plus strand (C>G on the coding strand, the complement: BRCA1 is on the minus strand). VCF-style: chr17-43093977-G-C. GRCh37 (hg19) VCF-style: chr17-41245994-G-C.
Other names: c.1341C>G, p.Ile447Met (NM_001407571.1, NM_001407853.1, NM_001407894.1 and 9 more transcripts); c.1554C>G, p.Ile518Met (NM_001407581.1, NM_001407582.1, NM_001407583.1 and 30 more transcripts); c.1551C>G, p.Ile517Met (NM_001407587.1, NM_001407590.1, NM_001407591.1 and 22 more transcripts); c.1545C>G, p.Ile515Met (NM_001407646.1, NM_001407647.1); c.1431C>G, p.Ile477Met (NM_001407648.1, NM_001407664.1, NM_001407665.1 and 19 more transcripts); c.1428C>G, p.Ile476Met (NM_001407649.1, NM_001407670.1, NM_001407671.1 and 11 more transcripts); c.1476C>G, p.Ile492Met (NM_001407653.1, NM_001407654.1, NM_001407655.1 and 4 more transcripts); c.1473C>G, p.Ile491Met (NM_001407659.1, NM_001407660.1, NM_001407661.1 and 1 more transcripts); and 40 more; short protein forms I518M, I471M, I222M, I350M, I390M, I448M, I406M, I430M.
Identifiers: ClinVar variation 1363342 (VCV001363342.11), dbSNP rs1064794487, ClinGen allele CA10598938.

ClinVar aggregate classification (germline): Conflicting classifications of pathogenicity. Review status: criteria provided, conflicting classifications (1 of 4 stars). 2 submissions from 2 submitters: Uncertain significance (1); Likely benign (1). Last evaluated 2023-03-23.

Conditions:
Hereditary cancer-predisposing syndrome. Also called: Neoplastic Syndromes, Hereditary; Tumor predisposition; Hereditary neoplastic syndrome; Hereditary Cancer Syndrome. Identifiers: Orphanet 140162, MedGen C0027672, MeSH D009386, MONDO:0015356.
Hereditary breast ovarian cancer syndrome. Also called: Hereditary breast and ovarian cancer; Hereditary breast and/or ovarian cancer syndrome; BRCA1- and BRCA2-Associated Hereditary Breast and Ovarian Cancer; Hereditary breast and ovarian cancer syndrome; Hereditary breast and ovarian cancer syndrome (HBOC); Breast and ovarian cancer. Identifiers: Orphanet 145, MedGen C0677776, MeSH D061325, MONDO:0003582. Disease mechanism: loss of function.

Submissions (2):

University of Washington Department of Laboratory Medicine, University of Washington
Classification: Likely benign for Hereditary cancer-predisposing syndrome. Last evaluated: 2023-03-23. Review status: criteria provided, single submitter. Criteria: Dines et al. (Genet Med. 2020). Collection method: curation. Allele origin: germline.
Comment: Missense variant in a coldspot region where missense variants are very unlikely to be pathogenic (PMID:31911673).

BRCA1 coldspot (exon 11 using historical exon numbering). Reclassification based on statistical prior probability

Labcorp Genetics (formerly Invitae), Labcorp
Classification: Uncertain significance for Hereditary breast ovarian cancer syndrome. Last evaluated: 2021-06-23. Review status: criteria provided, single submitter. Criteria: Invitae Variant Classification Sherloc (09022015). Collection method: clinical testing. Allele origin: germline.
Comment: Advanced modeling of protein sequence and biophysical properties (such as structural, functional, and spatial information, amino acid conservation, physicochemical variation, residue mobility, and thermodynamic stability) performed at Invitae indicates that this missense variant is not expected to disrupt BRCA1 protein function. This variant has not been reported in the literature in individuals with BRCA1-related conditions. This variant is not present in population databases (ExAC no frequency). This sequence change replaces isoleucine with methionine at codon 518 of the BRCA1 protein (p.Ile518Met). The isoleucine residue is highly conserved and there is a small physicochemical difference between isoleucine and methionine. In summary, the available evidence is currently insufficient to determine the role of this variant in disease. Therefore, it has been classified as a Variant of Uncertain Significance.